The following is an entry in ClinVar:

NM_016929.5(CLIC5):c.351C>T (p.Asp117=)

Gene: CLIC5 (chloride intracellular channel 5; minus strand). Cytogenetic location: 6p21.1.
Variant type: single nucleotide variant.
Coding change: c.351C>T on transcript NM_016929.5 (MANE Select); coding-DNA position 351, C replaced by T.
Protein change: p.Asp117=; no amino-acid change (aspartic acid 117 retained).
Molecular consequence: synonymous variant.
Genome position (GRCh38, 1-based): chr6:45,941,602, G>A on the plus strand (C>T on the coding strand, the complement: CLIC5 is on the minus strand). VCF-style: chr6-45941602-G-A. GRCh37 (hg19) VCF-style: chr6-45909339-G-A.
Other names: c.828C>T, p.Asp276= (NM_001114086.2, NM_001370650.1); c.351C>T, p.Asp117= (NM_001256023.2); c.234C>T, p.Asp78= (NM_001370649.1).
Identifiers: ClinVar variation 930116 (VCV000930116.10), dbSNP rs139356265, ClinGen allele CA3836813.

ClinVar aggregate classification (germline): Likely benign. Review status: criteria provided, multiple submitters, no conflicts (2 of 4 stars). 3 submissions from 3 submitters: Likely benign (3). Last evaluated 2025-12-27.

Allele frequency attached by ClinVar (database versions not stated): gnomAD exomes 0.00001 and 0.00002; ExAC 0.00002; ESP Exome Variant Server 0.00008; gnomAD 0.00014 and 0.00016; TOPMed 0.00035; 1000 Genomes Project 0.00040; 1000 Genomes Project 30x 0.00062.
gnomAD v4.1: 41 of 1,613,972 alleles (0.0025%); highest among the groups gnomAD compares: Admixed American, 0.048%; no homozygotes.

Submissions (3):

Labcorp Genetics (formerly Invitae), Labcorp
Classification: Likely benign. Last evaluated: 2025-12-27. Review status: criteria provided, single submitter. Criteria: Invitae Variant Classification Sherloc (09022015). Collection method: clinical testing. Allele origin: germline.

GeneDx
Classification: Likely benign. Last evaluated: 2021-06-22. Review status: criteria provided, single submitter. Criteria: GeneDx Variant Classification Process June 2021. Collection method: clinical testing. Allele origin: germline. Affected: yes.

Laboratory for Molecular Medicine, Mass General Brigham Personalized Medicine
Classification: Likely benign. Last evaluated: 2017-08-23. Review status: criteria provided, single submitter. Criteria: LMM Criteria. Collection method: clinical testing. Allele origin: germline. Observed: 1 variant allele.
Comment: p.Asp276Asp in exon 4 of CLIC5: This variant is not expected to have clinical significance because it does not alter an amino acid residue and is not located within the splice consensus sequence. It has been identified in 1/10406 African chromosomes by the Exome Aggregation Consortium (ExAC; dbSNP rs139356265).